The following is an entry in ClinVar:

NM_001291303.3(FAT4):c.13633C>T (p.Pro4545Ser)

Gene: FAT4 (FAT atypical cadherin 4; plus strand). Cytogenetic location: 4q28.1.
Variant type: single nucleotide variant.
Coding change: c.13633C>T on transcript NM_001291303.3 (MANE Select); coding-DNA position 13633, C replaced by T.
Protein change: p.Pro4545Ser; replaces proline 4545 with serine.
Molecular consequence: missense variant.
Genome position (GRCh38, 1-based): chr4:125,490,449, C>T. VCF-style: chr4-125490449-C-T. GRCh37 (hg19) VCF-style: chr4-126411604-C-T.
Other names: c.13630C>T, p.Pro4544Ser (NM_001291285.3); c.13627C>T, p.Pro4543Ser (NM_024582.6); short protein forms P4543S, P4544S, P4545S.
Identifiers: ClinVar variation 3363723 (VCV003363723.1).

ClinVar aggregate classification (germline): Uncertain significance (1 of 4 stars; one submission).

gnomAD v4.1: 3 of 1,613,998 alleles (0.00019%); highest among the groups gnomAD compares: Non-Finnish European, 0.00025%; no homozygotes.

Submission:

GeneDx
Classification: Uncertain significance. Last evaluated: 2023-11-02. Review status: criteria provided, single submitter. Criteria: GeneDx Variant Classification Process June 2021. Collection method: clinical testing. Allele origin: germline. Affected: yes.
Comment: Not observed at significant frequency in large population cohorts (gnomAD); In silico analysis supports that this missense variant does not alter protein structure/function; Has not been previously published as pathogenic or benign to our knowledge